The following is an entry in ClinVar:

NM_001184.4(ATR):c.4671G>A (p.Lys1557=)

Gene: ATR (ATR checkpoint kinase; minus strand). Cytogenetic location: 3q23.
Variant type: single nucleotide variant.
Coding change: c.4671G>A on transcript NM_001184.4 (MANE Select); coding-DNA position 4671, G replaced by A.
Protein change: p.Lys1557=; no amino-acid change (lysine 1557 retained).
Molecular consequence: synonymous variant.
Genome position (GRCh38, 1-based): chr3:142,512,441, C>T on the plus strand (G>A on the coding strand, the complement: ATR is on the minus strand). VCF-style: chr3-142512441-C-T. GRCh37 (hg19) VCF-style: chr3-142231283-C-T.
Other names: c.4479G>A, p.Lys1493= (NM_001354579.2).
Identifiers: ClinVar variation 1742329 (VCV001742329.24), dbSNP rs779467316, ClinGen allele CA2649783.

ClinVar aggregate classification (germline): Conflicting classifications of pathogenicity. Review status: criteria provided, conflicting classifications (1 of 4 stars). 2 submissions from 2 submitters: Uncertain significance (1); Likely benign (1). Last evaluated 2023-12-01.

Conditions:
Inborn genetic diseases. Identifiers: MedGen C0950123, MeSH D030342.

Allele frequency attached by ClinVar (database versions not stated): gnomAD 0.00001; gnomAD exomes 0.00001; TOPMed 0.00001; ExAC 0.00002.
gnomAD v4.1: 10 of 1,612,838 alleles (0.00062%); highest among the groups gnomAD compares: Middle Eastern, 0.017%; no homozygotes.

Submissions (2):

CeGaT Center for Human Genetics Tuebingen
Classification: Uncertain significance. Last evaluated: 2023-12-01. Review status: criteria provided, single submitter. Criteria: CeGaT Center For Human Genetics Tuebingen Variant Classification Criteria Version 2. Collection method: clinical testing. Allele origin: germline. Affected: yes. Observed: 1 variant allele.
Comment: ATR: PM2:Supporting, BP4

Ambry Genetics
Classification: Likely benign for Inborn genetic diseases. Last evaluated: 2022-06-25. Review status: criteria provided, single submitter. Criteria: Ambry Variant Classification Scheme 2023. Collection method: clinical testing. Allele origin: germline.